The following is an entry in ClinVar:

NM_002613.5(PDPK1):c.1653G>A (p.Pro551=)

Gene: PDPK1 (3-phosphoinositide dependent protein kinase 1; plus strand). Cytogenetic location: 16p13.3.
Variant type: single nucleotide variant.
Coding change: c.1653G>A on transcript NM_002613.5 (MANE Select); coding-DNA position 1653, G replaced by A.
Protein change: p.Pro551=; no amino-acid change (proline 551 retained).
Molecular consequence: synonymous variant. On other transcripts: 3 prime UTR variant (1).
Genome position (GRCh38, 1-based): chr16:2,597,749, G>A. VCF-style: chr16-2597749-G-A. GRCh37 (hg19) VCF-style: chr16-2647750-G-A.
Other names: c.*77G>A (NM_001261816.2); c.1272G>A, p.Pro424= (NM_031268.6).
Identifiers: ClinVar variation 3046933 (VCV003046933.2), dbSNP rs747477279, ClinGen allele CA7845758.

ClinVar aggregate classification (germline): Likely benign (0 of 4 stars; one submission).

Conditions:
PDPK1-related disorder. Also called: PDPK1-related condition.

Allele frequency attached by ClinVar (database versions not stated): ExAC 0.00001; gnomAD 0.00001; TOPMed 0.00002.

Submission:

PreventionGenetics, part of Exact Sciences
Classification: Likely benign for PDPK1-related condition. Last evaluated: 2019-03-13. Review status: no assertion criteria provided. Collection method: clinical testing. Allele origin: germline.
Comment: This variant is classified as likely benign based on ACMG/AMP sequence variant interpretation guidelines (Richards et al. 2015 PMID: 25741868, with internal and published modifications).